The following is an entry in ClinVar:

ClinVar aggregate classification (germline): Uncertain significance (1 of 4 stars; one submission).

Conditions:
Familial cold autoinflammatory syndrome 3 (FCAS3). Also called: FAMILIAL ATYPICAL COLD URTICARIA; ANTIBODY DEFICIENCY AND IMMUNE DYSREGULATION, PLCG2-ASSOCIATED. Identifiers: Orphanet 300359, MedGen C3280914, MONDO:0013766, OMIM 614468.

gnomAD v4.1: 1 of 1,614,114 alleles (0.000062%); highest among the groups gnomAD compares: South Asian, 0.0011%; no homozygotes.

Submission:

Labcorp Genetics (formerly Invitae), Labcorp
Classification: Uncertain significance for Familial cold autoinflammatory syndrome 3. Last evaluated: 2021-12-19. Review status: criteria provided, single submitter. Criteria: Invitae Variant Classification Sherloc (09022015). Collection method: clinical testing. Allele origin: germline.
Comment: Algorithms developed to predict the effect of missense changes on protein structure and function are either unavailable or do not agree on the potential impact of this missense change (SIFT: "Deleterious"; PolyPhen-2: "Benign"; Align-GVGD: "Class C0"). In summary, the available evidence is currently insufficient to determine the role of this variant in disease. Therefore, it has been classified as a Variant of Uncertain Significance. This variant has not been reported in the literature in individuals affected with PLCG2-related conditions. This variant is not present in population databases (gnomAD no frequency). This sequence change replaces leucine, which is neutral and non-polar, with valine, which is neutral and non-polar, at codon 230 of the PLCG2 protein (p.Leu230Val).

NM_002661.5(PLCG2):c.688C>G (p.Leu230Val)

Gene: PLCG2 (phospholipase C gamma 2; plus strand). Cytogenetic location: 16q23.3.
Variant type: single nucleotide variant.
Coding change: c.688C>G on transcript NM_002661.5 (MANE Select); coding-DNA position 688, C replaced by G.
Protein change: p.Leu230Val; replaces leucine 230 with valine.
Molecular consequence: missense variant.
Genome position (GRCh38, 1-based): chr16:81,880,949, C>G. VCF-style: chr16-81880949-C-G. GRCh37 (hg19) VCF-style: chr16-81914554-C-G.
Other names: short protein forms L230V.
Identifiers: ClinVar variation 2048022 (VCV002048022.4), dbSNP rs373962897, ClinGen allele CA396907026.